The following is an entry in ClinVar:

ClinVar aggregate classification (germline): Uncertain significance (1 of 4 stars; one submission).

Conditions:
Cardiomyopathy (CMYO). Also called: Cardiomyopathies. Identifiers: Orphanet 167848, MedGen C0878544, MONDO:0004994, HP:0001638. Inheritance: Various modes of inheritance.

gnomAD v4.1: 5 of 1,614,062 alleles (0.00031%); highest among the groups gnomAD compares: Non-Finnish European, 0.00042%; no homozygotes.

Submission:

Color Diagnostics, LLC DBA Color Health
Classification: Uncertain significance for Cardiomyopathy. Last evaluated: 2023-12-04. Review status: criteria provided, single submitter. Criteria: ACMG Guidelines, 2015. Collection method: clinical testing. Allele origin: germline.
Comment: This missense variant replaces histidine with leucine at codon 995 of the DSG2 protein. Computational prediction suggests that this variant may not impact protein structure and function (internally defined REVEL score threshold <= 0.5, PMID: 27666373). To our knowledge, functional studies have not been reported for this variant. This variant has not been reported in individuals affected with DSG2-related disorders in the literature. This variant has not been identified in the general population by the Genome Aggregation Database (gnomAD). The available evidence is insufficient to determine the role of this variant in disease conclusively. Therefore, this variant is classified as a Variant of Uncertain Significance.

NM_001943.5(DSG2):c.2984A>T (p.His995Leu)

Genes: DSG2 (desmoglein 2; plus strand), DSG2-AS1 (DSG2 antisense RNA 1; minus strand). Cytogenetic location: 18q12.1.
Variant type: single nucleotide variant.
Coding change: c.2984A>T on transcript NM_001943.5 (MANE Select); coding-DNA position 2984, A replaced by T.
Protein change: p.His995Leu; replaces histidine 995 with leucine.
Molecular consequence: missense variant.
Genome position (GRCh38, 1-based): chr18:31,546,370, A>T. VCF-style: chr18-31546370-A-T. GRCh37 (hg19) VCF-style: chr18-29126333-A-T.
Other names: short protein forms H995L.
Identifiers: ClinVar variation 925317 (VCV000925317.4), dbSNP rs1253735579, ClinGen allele CA402147657.